The following is an entry in ClinVar:

ClinVar aggregate classification (germline): Uncertain significance (1 of 4 stars; one submission).

Conditions:
Hereditary cancer-predisposing syndrome. Also called: Neoplastic Syndromes, Hereditary; Tumor predisposition; Hereditary neoplastic syndrome; Hereditary Cancer Syndrome. Identifiers: Orphanet 140162, MedGen C0027672, MeSH D009386, MONDO:0015356.

Submission:

Ambry Genetics
Classification: Uncertain significance for Hereditary cancer-predisposing syndrome. Last evaluated: 2026-08-28. Review status: criteria provided, single submitter. Criteria: Ambry Variant Classification Scheme 2023. Collection method: clinical testing. Allele origin: germline.
Comment: The c.587_588delGGinsTT variant (also known as p.W196F), located in coding exon 8 of the BAP1 gene, results from an in-frame deletion of GG and insertion of TT at nucleotide positions 587 to 588. This results in the substitution of the tryptophan residue for a phenylalanine residue at codon 196, an amino acid with highly similar properties. This amino acid position is highly conserved in available vertebrate species. In addition, this variant is predicted to be deleterious by in silico analysis (Choi Y et al. PLoS ONE. 2012; 7(10):e46688). Based on the available evidence, the clinical significance of this variant remains unclear.

NM_004656.4(BAP1):c.587_588delinsTT (p.Trp196Phe)

Gene: BAP1 (BRCA1 associated deubiquitinase 1; minus strand). Cytogenetic location: 3p21.1.
Variant type: Indel.
Coding change: c.587_588delinsTT on transcript NM_004656.4 (MANE Select); coding-DNA positions 587 to 588, GG replaced by TT.
Protein change: p.Trp196Phe; replaces tryptophan 196 with phenylalanine.
Molecular consequence: missense variant.
Genome position (GRCh38, 1-based): chr3:52,406,900-52,406,901, CC replaced by AA on the plus strand (GG replaced by TT on the coding strand, the reverse complement: BAP1 is on the minus strand). VCF-style: chr3-52406900-CC-AA. GRCh37 (hg19) VCF-style: chr3-52440916-CC-AA.
Other names: c.587_588delinsTT, p.Trp196Phe (NM_001410772.1); short protein forms W196F.
Identifiers: ClinVar variation 5032707 (VCV005032707.1).